The following is an entry in ClinVar:

ClinVar aggregate classification (germline): Likely benign. Review status: criteria provided, multiple submitters, no conflicts (2 of 4 stars). 3 submissions from 3 submitters: Likely benign (3). Last evaluated 2026-03-26.

Conditions:
MANBA-related disorder. Also called: MANBA-related condition.
Beta-D-mannosidosis (MANSB). Also called: Beta-Mannosidosis; MANNOSIDOSIS, BETA A, LYSOSOMAL; BETA-MANNOSIDASE DEFICIENCY; LYSOSOMAL BETA-MANNOSIDASE DEFICIENCY. Identifiers: Orphanet 118, MedGen C4048196, MONDO:0009562, OMIM 248510.

Allele frequency attached by ClinVar (database versions not stated): gnomAD exomes 0.00001; gnomAD 0.00003; TOPMed 0.00003.
gnomAD v4.1: 17 of 1,609,750 alleles (0.0011%); highest among the groups gnomAD compares: Admixed American, 0.01%; no homozygotes.

Submissions (3):

PreventionGenetics, part of Exact Sciences
Classification: Likely benign for MANBA-related condition. Last evaluated: 2026-03-26. Review status: criteria provided, single submitter. Criteria: ACMG Guidelines, 2015. Collection method: clinical testing. Allele origin: germline.
Comment: This variant is classified as likely benign based on ACMG/AMP sequence variant interpretation guidelines (Richards et al. 2015 PMID: 25741868, with internal and published modifications).

Labcorp Genetics (formerly Invitae), Labcorp
Classification: Likely benign for Beta-D-mannosidosis. Last evaluated: 2025-10-29. Review status: criteria provided, single submitter. Criteria: Invitae Variant Classification Sherloc (09022015). Collection method: clinical testing. Allele origin: germline.

Blueprint Genetics
Classification: Likely benign. Last evaluated: 2021-09-21. Review status: criteria provided, single submitter. Criteria: ACMG Guidelines, 2015. Collection method: clinical testing. Allele origin: germline.

NM_005908.4(MANBA):c.1383G>A (p.Ala461=)

Gene: MANBA (mannosidase beta; minus strand). Cytogenetic location: 4q24.
Variant type: single nucleotide variant.
Coding change: c.1383G>A on transcript NM_005908.4 (MANE Select); coding-DNA position 1383, G replaced by A.
Protein change: p.Ala461=; no amino-acid change (alanine 461 retained).
Molecular consequence: synonymous variant.
Genome position (GRCh38, 1-based): chr4:102,664,787, C>T on the plus strand (G>A on the coding strand, the complement: MANBA is on the minus strand). VCF-style: chr4-102664787-C-T. GRCh37 (hg19) VCF-style: chr4-103585944-C-T.
Other names: c.1383G>A (NM_005908.3).
Identifiers: ClinVar variation 2919671 (VCV002919671.5), dbSNP rs905255725, ClinGen allele CA102695069.